The following is an entry in ClinVar:

ClinVar aggregate classification (germline): Uncertain significance (1 of 4 stars; one submission).

Submission:

GeneDx
Classification: Uncertain significance. Last evaluated: 2019-07-03. Review status: criteria provided, single submitter. Criteria: GeneDx Variant Classification Process June 2021. Collection method: clinical testing. Allele origin: germline. Affected: yes.
Comment: Has not been previously published as pathogenic or benign to our knowledge; Not observed in large population cohorts (Lek et al., 2016); In silico analysis, which includes protein predictors and evolutionary conservation, supports that this variant does not alter protein structure/function

NM_014795.4(ZEB2):c.479C>G (p.Ala160Gly)

Gene: ZEB2 (zinc finger E-box binding homeobox 2; minus strand). Cytogenetic location: 2q22.3.
Variant type: single nucleotide variant.
Coding change: c.479C>G on transcript NM_014795.4 (MANE Select); coding-DNA position 479, C replaced by G.
Protein change: p.Ala160Gly; replaces alanine 160 with glycine.
Molecular consequence: missense variant.
Genome position (GRCh38, 1-based): chr2:144,404,949, G>C on the plus strand (C>G on the coding strand, the complement: ZEB2 is on the minus strand). VCF-style: chr2-144404949-G-C. GRCh37 (hg19) VCF-style: chr2-145162516-G-C.
Other names: c.407C>G, p.Ala136Gly (NM_001171653.2); short protein forms A136G, A160G.
Identifiers: ClinVar variation 1217443 (VCV001217443.3), dbSNP rs2149879719, ClinGen allele CA348715351.